The following is an entry in ClinVar:

NM_130384.3(ATRIP):c.129_134dup (p.Asp46_Asp47insProAsp)

Genes: ATRIP (ATR interacting protein; plus strand), ATRIP-TREX1 (ATRIP-TREX1 readthrough; plus strand), LOC129936703 (ATAC-STARR-seq lymphoblastoid silent region 14331; plus strand). Cytogenetic location: 3p21.31.
Variant type: Duplication.
Coding change: c.129_134dup on transcript NM_130384.3 (MANE Select); coding-DNA positions 129 to 134, 6 bases duplicated (GGACCC; older notation c.129_134dupGGACCC).
Protein change: p.Asp46_Asp47insProAsp.
Molecular consequence: non-coding transcript variant (on NR_153405.1). On other transcripts: intron variant (1).
Genome position (GRCh38, 1-based): chr3:48,446,974-48,446,979, GGACCC duplicated; duplicating any 6 consecutive bases within chr3:48,446,971-48,446,979 gives the same sequence; the c. name uses the placement nearest the transcript's 3' end. VCF-style (leftmost placement, unchanged base first): chr3-48446970-C-CCCCGGA. GRCh37 (hg19) VCF-style: chr3-48488374-C-CCCCGGA.
Other names: c.129_134dup, p.Asp46_Asp47insProAsp (NM_032166.4); c.-218+175_-218+180dup (NM_001271022.2).
Identifiers: ClinVar variation 4842149 (VCV004842149.1).
Genomic context (GRCh38, chr3:48,446,970, plus strand): 5'-CGCCGCCGGGCACCGGGCACCCCCCGAGCAAGCGGGCCCGGGGCTTCTCCGCAGCCGCTG[C>CCCCGGA]CCCGGACCCTGACGACCCGTTCGGCGCGCATGGGGACTTCACTGCCGACGACCTGGAGGA-3'

ClinVar aggregate classification (germline): Uncertain significance (1 of 4 stars; one submission).

Submission:

Ambry Genetics
Classification: Uncertain significance. Last evaluated: 2026-02-27. Review status: criteria provided, single submitter. Criteria: Ambry Variant Classification Scheme 2023. Collection method: clinical testing. Allele origin: germline.
Comment: The c.129_134dupGGACCC variant (also known as p.D47_P48dup), located in coding exon 1 of the ATRIP gene, results from an in-frame duplication of GGACCC at nucleotide positions 129 to 134. This results in the duplication of 2 extra residues (DP) between codons 47 and 48. This amino acid position is well conserved in available vertebrate species. The evidence for this gene-disease relationship is limited; therefore, the clinical significance of this variant is unclear.